The following is an entry in ClinVar:

ClinVar aggregate classification (germline): Uncertain significance (1 of 4 stars; one submission).

Conditions:
Dilated cardiomyopathy 1G (CMD1G). Identifiers: Orphanet 154, MedGen C1858763, MONDO:0011400, OMIM 604145.
Autosomal recessive limb-girdle muscular dystrophy type 2J (LGMDR10). Also called: Limb-girdle muscular dystrophy, type 2J; MUSCULAR DYSTROPHY, LIMB-GIRDLE, AUTOSOMAL RECESSIVE 10. Identifiers: Orphanet 140922, MedGen C1837342, MONDO:0012127, OMIM 608807.

Submission:

Labcorp Genetics (formerly Invitae), Labcorp
Classification: Uncertain significance for Dilated cardiomyopathy 1G; Limb-girdle muscular dystrophy, type 2J. Last evaluated: 2019-05-14. Review status: criteria provided, single submitter. Criteria: Invitae Variant Classification Sherloc (09022015). Collection method: clinical testing. Allele origin: germline.
Comment: This sequence change replaces lysine with glutamine at codon 35737 of the TTN protein (p.Lys35737Gln). There is a small physicochemical difference between lysine and glutamine. This variant is not present in population databases (ExAC no frequency). This variant has not been reported in the literature in individuals with TTN-related conditions. This variant is located in the M band of TTN (PMID: 25589632). Variants in this region may be relevant for neuromuscular disorders, but have not been definitively shown to cause cardiomyopathy (PMID: 23975875). Algorithms developed to predict the effect of missense changes on protein structure and function are unavailable for the TTN gene. In summary, the available evidence is currently insufficient to determine the role of this variant in disease. Therefore, it has been classified as a Variant of Uncertain Significance.

Literature cited by the submitters: PubMed 23975875; PubMed 25589632.

NM_001267550.2(TTN):c.107209A>C (p.Lys35737Gln)

Genes: TTN-AS1 (TTN antisense RNA 1; plus strand), TTN (titin; minus strand). Cytogenetic location: 2q31.2.
Variant type: single nucleotide variant.
Coding change: c.107209A>C on transcript NM_001267550.2 (MANE Select); coding-DNA position 107209, A replaced by C.
Protein change: p.Lys35737Gln; replaces lysine 35737 with glutamine.
Molecular consequence: missense variant.
Genome position (GRCh38, 1-based): chr2:178,528,542, T>G on the plus strand (A>C on the coding strand, the complement: TTN is on the minus strand). VCF-style: chr2-178528542-T-G. GRCh37 (hg19) VCF-style: chr2-179393269-T-G.
Other names: c.102286A>C, p.Lys34096Gln (NM_001256850.1); c.80014A>C, p.Lys26672Gln (NM_003319.4); c.99505A>C, p.Lys33169Gln (NM_133378.4); c.80389A>C, p.Lys26797Gln (NM_133432.3); c.80590A>C, p.Lys26864Gln (NM_133437.4); short protein forms K26797Q, K26672Q, K34096Q, K26864Q, K35737Q, K33169Q.
Identifiers: ClinVar variation 952050 (VCV000952050.1), dbSNP rs1687580805, ClinGen allele CA349401583.